The following is an entry in ClinVar:

ClinVar aggregate classification (germline): Uncertain significance (1 of 4 stars; one submission).

Conditions:
Autosomal dominant hypocalcemia 1 (HYPOC1). Also called: HYPOCALCEMIA, FAMILIAL. Identifiers: MedGen C3715128, MONDO:0011013, OMIM 601198.
Familial hypocalciuric hypercalcemia (FHH). Also called: Familial benign hypercalcemia. Identifiers: Orphanet 405, MedGen C1809471, MONDO:0018458.

Allele frequency attached by ClinVar (database versions not stated): ExAC 0.00002; gnomAD exomes 0.00002; gnomAD 0.00003 and 0.00004.
gnomAD v4.1: 15 of 1,613,878 alleles (0.00093%); highest among the groups gnomAD compares: Non-Finnish European, 0.00025%; no homozygotes.

Submission:

Labcorp Genetics (formerly Invitae), Labcorp
Classification: Uncertain significance for Familial hypocalciuric hypercalcemia; Autosomal dominant hypocalcemia 1. Last evaluated: 2019-09-16. Review status: criteria provided, single submitter. Criteria: Invitae Variant Classification Sherloc (09022015). Collection method: clinical testing. Allele origin: germline.
Comment: In summary, the available evidence is currently insufficient to determine the role of this variant in disease. Therefore, it has been classified as a Variant of Uncertain Significance. This sequence change replaces lysine with glutamic acid at codon 517 of the CASR protein (p.Lys517Glu). The lysine residue is highly conserved and there is a small physicochemical difference between lysine and glutamic acid. This variant is present in population databases (rs768663095, ExAC 0.02%). This variant has not been reported in the literature in individuals with CASR-related conditions. Algorithms developed to predict the effect of missense changes on protein structure and function (SIFT, PolyPhen-2, Align-GVGD) all suggest that this variant is likely to be tolerated, but these predictions have not been confirmed by published functional studies and their clinical significance is uncertain.

NM_000388.4(CASR):c.1549A>G (p.Lys517Glu)

Gene: CASR (calcium sensing receptor; plus strand). Cytogenetic location: 3q21.1.
Variant type: single nucleotide variant.
Coding change: c.1549A>G on transcript NM_000388.4 (MANE Select); coding-DNA position 1549, A replaced by G.
Protein change: p.Lys517Glu; replaces lysine 517 with glutamic acid.
Molecular consequence: missense variant.
Genome position (GRCh38, 1-based): chr3:122,275,983, A>G. VCF-style: chr3-122275983-A-G. GRCh37 (hg19) VCF-style: chr3-121994830-A-G.
Other names: c.1549A>G, p.Lys517Glu (NM_001178065.2); short protein forms K517E.
Identifiers: ClinVar variation 964460 (VCV000964460.10), dbSNP rs768663095, ClinGen allele CA2569674.